The following is an entry in ClinVar:

NM_021830.5(TWNK):c.49del (p.Leu17fs)

Gene: TWNK (twinkle mtDNA helicase; plus strand). Cytogenetic location: 10q24.31.
Variant type: Deletion.
Coding change: c.49del on transcript NM_021830.5 (MANE Select); coding-DNA position 49, one base deleted (C; older notation c.49delC).
Protein change: p.Leu17fs; shifts the reading frame from leucine 17.
Molecular consequence: frameshift variant. On other transcripts: non-coding transcript variant (4), intron variant (3).
Genome position (GRCh38, 1-based): chr10:100,988,259, C deleted; the last of 4 consecutive C bases (chr10:100,988,256-100,988,259); deleting any one gives the same sequence. VCF-style (leftmost placement, unchanged base first): chr10-100988255-AC-A. GRCh37 (hg19) VCF-style: chr10-102748012-AC-A.
Other names: c.49del, p.Leu17fs (NM_001163812.2); c.-120+646del (NM_001163814.2, NM_001163813.2); c.-58+646del (NM_001368275.1); short protein forms L17fs.
Identifiers: ClinVar variation 694436 (VCV000694436.1), dbSNP rs779142717, ClinGen allele CA915947586.

ClinVar aggregate classification (germline): Pathogenic (1 of 4 stars; one submission).

Conditions:
Infantile onset spinocerebellar ataxia (MTDPS7). Also called: OHAHA SYNDROME; SPINOCEREBELLAR ATAXIA, INFANTILE, WITH SENSORY NEUROPATHY; Mitochondrial DNA depletion syndrome 7 (hepatocerebral type); OPHTHALMOPLEGIA, HYPOTONIA, ATAXIA, HYPOACUSIS, AND ATHETOSIS. Identifiers: Orphanet 1186, MedGen C1849096, MONDO:0010060, OMIM 271245.

Submission:

Laboratory of Inherited Metabolic Diseases, Research centre for medical genetics
Classification: Pathogenic for Infantile onset spinocerebellar ataxia. Last evaluated: 2019-07-17. Review status: criteria provided, single submitter. Criteria: ACMG Guidelines, 2015. Collection method: clinical testing. Allele origin: maternal. Inheritance: Autosomal recessive inheritance. Affected: yes.
Comment: found in compound with c.1199G>T (p.R400L)